The following is an entry in ClinVar:

ClinVar aggregate classification (germline): Pathogenic/Likely pathogenic. Review status: criteria provided, multiple submitters, no conflicts (2 of 4 stars). 2 submissions from 2 submitters: Pathogenic (1); Likely pathogenic (1). Last evaluated 2025-08-25.

Conditions:
ADGRV1-related disorder. Also called: ADGRV1-related condition; ADGRV1-related disorders.

Allele frequency attached by ClinVar (database versions not stated): gnomAD exomes below 0.00001; TOPMed below 0.00001; gnomAD 0.00001.

Submissions (2):

Labcorp Genetics (formerly Invitae), Labcorp
Classification: Pathogenic. Last evaluated: 2025-08-25. Review status: criteria provided, single submitter. Criteria: Invitae Variant Classification Sherloc (09022015). Collection method: clinical testing. Allele origin: germline.
Comment: This sequence change creates a premature translational stop signal (p.Tyr2919Leufs*35) in the ADGRV1 gene. It is expected to result in an absent or disrupted protein product. Loss-of-function variants in ADGRV1 are known to be pathogenic (PMID: 19357117, 22135276, 22147658, 26226137, 30718709, 31047384, 32467589). This variant is present in population databases (no rsID available, gnomAD 0.002%). This variant has not been reported in the literature in individuals affected with ADGRV1-related conditions. ClinVar contains an entry for this variant (Variation ID: 2807075). For these reasons, this variant has been classified as Pathogenic.

PreventionGenetics, part of Exact Sciences
Classification: Likely pathogenic for ADGRV1-related condition. Last evaluated: 2025-03-11. Review status: criteria provided, single submitter. Criteria: ACMG Guidelines, 2015. Collection method: clinical testing. Allele origin: germline.
Comment: The ADGRV1 c.8755dupT variant is predicted to result in a frameshift and premature protein termination (p.Tyr2919Leufs*35). To our knowledge, this variant has not been reported in an affected individual in the literature. This variant is reported in 0.0016% of alleles in individuals of European (Non-Finnish) descent in gnomAD. Frameshift variants in ADGRV1 are expected to be pathogenic. This variant is interpreted as likely pathogenic.

Literature cited by the submitters: PubMed 19357117 (cited by Labcorp Genetics (formerly Invitae), Labcorp); PubMed 22135276 (cited by Labcorp Genetics (formerly Invitae), Labcorp); PubMed 22147658 (cited by Labcorp Genetics (formerly Invitae), Labcorp); PubMed 26226137 (cited by Labcorp Genetics (formerly Invitae), Labcorp); PubMed 30718709 (cited by Labcorp Genetics (formerly Invitae), Labcorp); PubMed 31047384 (cited by Labcorp Genetics (formerly Invitae), Labcorp); PubMed 32467589 (cited by Labcorp Genetics (formerly Invitae), Labcorp).

NM_032119.4(ADGRV1):c.8755dup (p.Tyr2919fs)

Gene: ADGRV1 (adhesion G protein-coupled receptor V1; plus strand). Cytogenetic location: 5q14.3.
Variant type: Duplication.
Coding change: c.8755dup on transcript NM_032119.4 (MANE Select); coding-DNA position 8755, one base duplicated (T; older notation c.8755dupT).
Protein change: p.Tyr2919fs; shifts the reading frame from tyrosine 2919.
Molecular consequence: frameshift variant. On other transcripts: non-coding transcript variant (1).
Genome position (GRCh38, 1-based): chr5:90,708,840, T duplicated. VCF-style (leftmost placement, unchanged base first): chr5-90708839-A-AT. GRCh37 (hg19) VCF-style: chr5-90004656-A-AT.
Other names: c.8755dupT (NM_032119.3); short protein forms Y2919fs.
Identifiers: ClinVar variation 2807075 (VCV002807075.4), dbSNP rs1327737879, ClinGen allele CA560899941.
Genomic context (GRCh38, chr5:90,708,839, plus strand): 5'-TATAACTAAAGGAATTTAATGAGTGTAATTTTTTCAGGATGATGTACCAGAGCTAGAAGA[A>AT]TATTTCCTGGTGAATTTAACTTACGTTGGACTTACCATGGCTGCTTCAACTTCATTTCCT-3'